The following is an entry in ClinVar:

NM_001374259.2(IL12RB2):c.373G>C (p.Glu125Gln)

Gene: IL12RB2 (interleukin 12 receptor subunit beta 2; plus strand). Cytogenetic location: 1p31.3.
Variant type: single nucleotide variant.
Coding change: c.373G>C on transcript NM_001374259.2 (MANE Select); coding-DNA position 373, G replaced by C.
Protein change: p.Glu125Gln; replaces glutamic acid 125 with glutamine.
Molecular consequence: missense variant. On other transcripts: non-coding transcript variant (2).
Genome position (GRCh38, 1-based): chr1:67,326,743, G>C. VCF-style: chr1-67326743-G-C. GRCh37 (hg19) VCF-style: chr1-67792426-G-C.
Other names: c.373G>C, p.Glu125Gln (NM_001258214.1, NM_001258215.1, NM_001258216.1 and 2 more transcripts); short protein forms E125Q.
Identifiers: ClinVar variation 1363613 (VCV001363613.8), dbSNP rs368112959, ClinGen allele CA900177.
Genomic context (GRCh38, chr1:67,326,743, plus strand): 5'-GGTTGAAATATCACCTGTGTGATATATAAGGTTTTGTCTTTTCTTTTTAAAGTTGCTCCA[G>C]AACAGCCTCAAAATTTATCCTGCATACAGAAGGGAGAACAGGGGACTGTGGCCTGCACCT-3'
Protein context (NP_001361188.1, residues 115-135): GAEIFVGVAP[Glu125Gln]QPQNLSCIQK

ClinVar aggregate classification (germline): Uncertain significance (1 of 4 stars; one submission).

Allele frequency attached by ClinVar (database versions not stated): TOPMed 0.00001; ExAC 0.00002.
gnomAD v4.1: 9 of 1,613,014 alleles (0.00056%); highest among the groups gnomAD compares: East Asian, 0.0022%; no homozygotes.

Submission:

Labcorp Genetics (formerly Invitae), Labcorp
Classification: Uncertain significance. Last evaluated: 2025-01-02. Review status: criteria provided, single submitter. Criteria: Invitae Variant Classification Sherloc (09022015). Collection method: clinical testing. Allele origin: germline.
Comment: This sequence change replaces glutamic acid, which is acidic and polar, with glutamine, which is neutral and polar, at codon 125 of the IL12RB2 protein (p.Glu125Gln). This variant is present in population databases (rs368112959, gnomAD 0.006%). This variant has not been reported in the literature in individuals affected with IL12RB2-related conditions. ClinVar contains an entry for this variant (Variation ID: 1363613). An algorithm developed to predict the effect of missense changes on protein structure and function (PolyPhen-2) suggests that this variant is likely to be disruptive. In summary, the available evidence is currently insufficient to determine the role of this variant in disease. Therefore, it has been classified as a Variant of Uncertain Significance.